The following is an entry in ClinVar:

ClinVar aggregate classification (germline): Uncertain significance (0 of 4 stars; one submission).

Conditions:
PLXNA4-related disorder. Also called: PLXNA4-related condition.

gnomAD v4.1: 2 of 1,610,018 alleles (0.00012%); no homozygotes.

Submission:

PreventionGenetics, part of Exact Sciences
Classification: Uncertain significance for PLXNA4-related condition. Last evaluated: 2024-05-12. Review status: no assertion criteria provided. Collection method: clinical testing. Allele origin: germline.
Comment: The PLXNA4 c.2994-5T>A variant is predicted to interfere with splicing. This variant is predicted to create a cryptic splice acceptor site according to an in silico splicing algorithm (SpliceAI, Jaganathan K, et al. 2019. PubMed ID: 30661751). However, the use of computer prediction software is not equivalent to functional evidence. To our knowledge, this variant has not been reported in the literature or in a large population database, indicating this variant is rare. At this time, the clinical significance of this variant is uncertain due to the absence of conclusive functional and genetic evidence.

NM_020911.2(PLXNA4):c.2994-5T>A

Gene: PLXNA4 (plexin A4; minus strand). Cytogenetic location: 7q32.3.
Variant type: single nucleotide variant.
Coding change: c.2994-5T>A on transcript NM_020911.2 (MANE Select); 5 bases into the intron before coding-DNA position 2994, T replaced by A.
Molecular consequence: intron variant.
Genome position (GRCh38, 1-based): chr7:132,185,468, A>T on the plus strand (T>A on the coding strand, the complement: PLXNA4 is on the minus strand). VCF-style: chr7-132185468-A-T. GRCh37 (hg19) VCF-style: chr7-131870227-A-T.
Other names: c.2994-5T>A (NM_001393897.1).
Identifiers: ClinVar variation 3349855 (VCV003349855.1).